The following is an entry in ClinVar:

NM_004360.5(CDH1):c.1103C>A (p.Thr368Asn)

Gene: CDH1 (cadherin 1; plus strand). Cytogenetic location: 16q22.1.
Variant type: single nucleotide variant.
Coding change: c.1103C>A on transcript NM_004360.5 (MANE Select); coding-DNA position 1103, C replaced by A.
Protein change: p.Thr368Asn; replaces threonine 368 with asparagine.
Molecular consequence: missense variant. On other transcripts: 5 prime UTR variant (2).
Genome position (GRCh38, 1-based): chr16:68,812,229, C>A. VCF-style: chr16-68812229-C-A. GRCh37 (hg19) VCF-style: chr16-68846132-C-A.
Other names: c.1103C>A, p.Thr368Asn (NM_001317184.2); c.-513C>A (NM_001317185.2); c.-717C>A (NM_001317186.2); short protein forms T368N.
Identifiers: ClinVar variation 1061299 (VCV001061299.9), dbSNP rs367868307, ClinGen allele CA396460141.

ClinVar aggregate classification (germline): Uncertain significance (1 of 4 stars; one submission).

Conditions:
Hereditary diffuse gastric adenocarcinoma (HDGC). Also called: DIFFUSE GASTRIC AND LOBULAR BREAST CANCER SYNDROME. Identifiers: Orphanet 26106, MedGen C1708349, MONDO:0007648, OMIM 137215.

Submission:

Labcorp Genetics (formerly Invitae), Labcorp
Classification: Uncertain significance for Hereditary diffuse gastric adenocarcinoma. Last evaluated: 2020-03-09. Review status: criteria provided, single submitter. Criteria: Invitae Variant Classification Sherloc (09022015). Collection method: clinical testing. Allele origin: germline.
Comment: In summary, the available evidence is currently insufficient to determine the role of this variant in disease. Therefore, it has been classified as a Variant of Uncertain Significance. Algorithms developed to predict the effect of missense changes on protein structure and function (SIFT, PolyPhen-2, Align-GVGD) all suggest that this variant is likely to be tolerated, but these predictions have not been confirmed by published functional studies and their clinical significance is uncertain. This variant has not been reported in the literature in individuals with CDH1-related conditions. This variant is not present in population databases (ExAC no frequency). This sequence change replaces threonine with asparagine at codon 368 of the CDH1 protein (p.Thr368Asn). The threonine residue is weakly conserved and there is a small physicochemical difference between threonine and asparagine.